The following is an entry in ClinVar:

NM_000059.4(BRCA2):c.8607T>C (p.Ile2869=)

Gene: BRCA2 (BRCA2 DNA repair associated; plus strand). Cytogenetic location: 13q13.1.
Variant type: single nucleotide variant.
Coding change: c.8607T>C on transcript NM_000059.4 (MANE Select); coding-DNA position 8607, T replaced by C.
Protein change: p.Ile2869=; no amino-acid change (isoleucine 2869 retained).
Molecular consequence: synonymous variant.
Genome position (GRCh38, 1-based): chr13:32,371,075, T>C. VCF-style: chr13-32371075-T-C. GRCh37 (hg19) VCF-style: chr13-32945212-T-C.
Identifiers: ClinVar variation 184422 (VCV000184422.16), dbSNP rs786201453, ClinGen allele CA025732.

ClinVar aggregate classification (germline): Likely benign. Review status: reviewed by expert panel (3 of 4 stars). 4 submissions from 4 submitters: Likely benign (1). 3 of the submissions do not count toward it. Last evaluated 2017-06-29.

Conditions:
Hereditary cancer-predisposing syndrome. Also called: Tumor predisposition; Hereditary Cancer Syndrome; Hereditary neoplastic syndrome; Neoplastic Syndromes, Hereditary. Identifiers: Orphanet 140162, MedGen C0027672, MeSH D009386, MONDO:0015356.
Hereditary breast ovarian cancer syndrome. Also called: Breast and ovarian cancer; Hereditary breast and ovarian cancer syndrome; Hereditary breast and ovarian cancer; BRCA1- and BRCA2-Associated Hereditary Breast and Ovarian Cancer; Hereditary breast and ovarian cancer syndrome (HBOC); Hereditary breast and/or ovarian cancer syndrome. Identifiers: Orphanet 145, MedGen C0677776, MeSH D061325, MONDO:0003582. Disease mechanism: loss of function.
Breast-ovarian cancer, familial, susceptibility to, 2 (BROVCA2). Also called: BRCA2 Hereditary Breast and Ovarian Cancer. Identifiers: Orphanet 145, MedGen C2675520, MONDO:0012933, OMIM 612555. Disease mechanism: loss of function.

Allele frequency attached by ClinVar (database versions not stated): TOPMed below 0.00001.

Submissions (4):

Evidence-based Network for the Interpretation of Germline Mutant Alleles (ENIGMA)
Classification: Likely benign for Breast-ovarian cancer, familial, susceptibility to, 2. Last evaluated: 2017-06-29. Review status: reviewed by expert panel. Criteria: ENIGMA BRCA1/2 Classification Criteria (2017-06-29). Collection method: curation. Allele origin: germline.
Comment: Synonymous substitution variant, with low bioinformatic likelihood to result in a splicing aberration (Splicing prior probability 0.02).

Labcorp Genetics (formerly Invitae), Labcorp
Classification: Likely benign for Hereditary breast ovarian cancer syndrome. Last evaluated: 2024-10-23. Review status: criteria provided, single submitter. Criteria: Invitae Variant Classification Sherloc (09022015). Collection method: clinical testing. Allele origin: germline. Not counted in ClinVar's aggregate classification.

All of Us Research Program, National Institutes of Health
Classification: Likely benign for Breast-ovarian cancer, familial, susceptibility to, 2. Last evaluated: 2023-03-04. Review status: criteria provided, single submitter. Criteria: ACMG Guidelines, 2015. Collection method: clinical testing. Allele origin: germline. Inheritance: Autosomal dominant inheritance. Observed: 1 variant allele, 1 heterozygote. Not counted in ClinVar's aggregate classification.
Comment: This study involves interpretation of variants in research participants for the purpose of population health screening. Participant phenotype was not available at the time of variant classification. Additional details can be found in publication PMID: 35346344, PMCID: PMC8962531

Ambry Genetics
Classification: Likely benign for Hereditary cancer-predisposing syndrome. Last evaluated: 2014-12-04. Review status: criteria provided, single submitter. Criteria: Ambry Variant Classification Scheme 2023. Collection method: clinical testing. Allele origin: germline. Not counted in ClinVar's aggregate classification.